The following is an entry in ClinVar:

NM_004431.5(EPHA2):c.2455T>G (p.Trp819Gly)

Gene: EPHA2 (EPH receptor A2; minus strand). Cytogenetic location: 1p36.13.
Variant type: single nucleotide variant.
Coding change: c.2455T>G on transcript NM_004431.5 (MANE Select); coding-DNA position 2455, T replaced by G.
Protein change: p.Trp819Gly; replaces tryptophan 819 with glycine.
Molecular consequence: missense variant.
Genome position (GRCh38, 1-based): chr1:16,131,741, A>C on the plus strand (T>G on the coding strand, the complement: EPHA2 is on the minus strand). VCF-style: chr1-16131741-A-C. GRCh37 (hg19) VCF-style: chr1-16458236-A-C.
Other names: c.2293T>G, p.Trp765Gly (NM_001329090.2); short protein forms W765G, W819G.
Identifiers: ClinVar variation 3057521 (VCV003057521.2), dbSNP rs534750274, ClinGen allele CA624825.

ClinVar aggregate classification (germline): Likely benign (0 of 4 stars; one submission).

Conditions:
EPHA2-related disorder. Also called: EPHA2-related condition.

Allele frequency attached by ClinVar (database versions not stated): TOPMed below 0.00001; gnomAD 0.00003; gnomAD exomes 0.00007; ExAC 0.00018; 1000 Genomes Project 0.00060; 1000 Genomes Project 30x 0.00062.
gnomAD v4.1: 99 of 1,614,108 alleles (0.0061%); highest among the groups gnomAD compares: South Asian, 0.11%; no homozygotes.

Submission:

PreventionGenetics, part of Exact Sciences
Classification: Likely benign for EPHA2-related condition. Last evaluated: 2023-09-08. Review status: no assertion criteria provided. Collection method: clinical testing. Allele origin: germline.
Comment: This variant is classified as likely benign based on ACMG/AMP sequence variant interpretation guidelines (Richards et al. 2015 PMID: 25741868, with internal and published modifications).